The following is an entry in ClinVar:

NM_001134363.3(RBM20):c.385A>C (p.Met129Leu)

Gene: RBM20 (RNA binding motif protein 20; plus strand). Cytogenetic location: 10q25.2.
Variant type: single nucleotide variant.
Coding change: c.385A>C on transcript NM_001134363.3 (MANE Select); coding-DNA position 385, A replaced by C.
Protein change: p.Met129Leu; replaces methionine 129 with leucine.
Molecular consequence: missense variant.
Genome position (GRCh38, 1-based): chr10:110,780,994, A>C. VCF-style: chr10-110780994-A-C. GRCh37 (hg19) VCF-style: chr10-112540752-A-C.
Other names: short protein forms M129L.
Identifiers: ClinVar variation 4614831 (VCV004614831.1).

ClinVar aggregate classification (germline): Uncertain significance (1 of 4 stars; one submission).

Conditions:
Cardiovascular phenotype. Identifiers: MedGen CN230736.

Submission:

Ambry Genetics
Classification: Uncertain significance for Cardiovascular phenotype. Last evaluated: 2025-11-15. Review status: criteria provided, single submitter. Criteria: Ambry Variant Classification Scheme 2023. Collection method: clinical testing. Allele origin: germline.
Comment: The p.M129L variant (also known as c.385A>C), located in coding exon 2 of the RBM20 gene, results from an A to C substitution at nucleotide position 385. The methionine at codon 129 is replaced by leucine, an amino acid with highly similar properties. This amino acid position is conserved. In addition, this alteration is predicted to be deleterious by in silico analysis. Based on the available evidence, the clinical significance of this variant remains unclear.